The following is an entry in ClinVar:

ClinVar aggregate classification (germline): Benign/Likely benign. Review status: criteria provided, single submitter (1 of 4 stars). 2 submissions from 1 submitter: Benign (1); Likely benign (1). Last evaluated 2018-01-13.

Conditions:
Congenital myopathy with fiber type disproportion. Also called: Congenital fiber-type disproportion myopathy; Congenital fiber-type disproportion. Identifiers: Orphanet 2020, MedGen C0546264, MONDO:0009711. Inheritance: all.
Congenital myopathy 4B, autosomal recessive. Also called: Nemaline myopathy 1, autosomal dominant or recessive. Identifiers: Orphanet 171433, Orphanet 171439, Orphanet 171881, MedGen C5829889, MONDO:0012239, OMIM 609284.

Allele frequency attached by ClinVar (database versions not stated): gnomAD 0.00447 and 0.00465; TOPMed 0.00500; 1000 Genomes Project 30x 0.00609; 1000 Genomes Project 0.00619.
gnomAD v4.1: 683 of 152,174 alleles (0.45%); highest among the groups gnomAD compares: African/African-American, 1%; 7 homozygotes.

Submissions (2):

Illumina Laboratory Services, Illumina
Classification: Likely benign for Congenital myopathy 4B, autosomal recessive. Last evaluated: 2018-01-13. Review status: criteria provided, single submitter. Criteria: ICSL Variant Classification Criteria 13 December 2019. Collection method: clinical testing. Allele origin: germline.
Comment: This variant was observed in the ICSL laboratory as part of a predisposition screen in an ostensibly healthy population. It had not been previously curated by ICSL or reported in the Human Gene Mutation Database (HGMD: prior to June 1st, 2018), and was therefore a candidate for classification through an automated scoring system. Utilizing variant allele frequency, disease prevalence and penetrance estimates, and inheritance mode, an automated score was calculated to assess if this variant is too frequent to cause the disease. Based on the score and internal cut-off values, a variant classified as likely benign is not then subjected to further curation. The score for this variant resulted in a classification of likely benign for this disease.

Illumina Laboratory Services, Illumina
Classification: Benign for Congenital myopathy 4A, autosomal dominant. Last evaluated: 2018-01-13. Review status: criteria provided, single submitter. Criteria: ICSL Variant Classification Criteria 13 December 2019. Collection method: clinical testing. Allele origin: germline.
Comment: This variant was observed in the ICSL laboratory as part of a predisposition screen in an ostensibly healthy population. It had not been previously curated by ICSL or reported in the Human Gene Mutation Database (HGMD: prior to June 1st, 2018), and was therefore a candidate for classification through an automated scoring system. Utilizing variant allele frequency, disease prevalence and penetrance estimates, and inheritance mode, an automated score was calculated to assess if this variant is too frequent to cause the disease. Based on the score and internal cut-off values, a variant classified as benign is not then subjected to further curation. The score for this variant resulted in a classification of benign for this disease.

NM_152263.4(TPM3):c.*3497T>C

Gene: TPM3 (tropomyosin 3; minus strand). Cytogenetic location: 1q21.3.
Variant type: single nucleotide variant.
Coding change: c.*3497T>C on transcript NM_152263.4 (MANE Select); 3497 bases downstream of the stop codon, T replaced by C.
Molecular consequence: 3 prime UTR variant. On other transcripts: intron variant (12).
Genome position (GRCh38, 1-based): chr1:154,164,440, A>G on the plus strand (T>C on the coding strand, the complement: TPM3 is on the minus strand). VCF-style: chr1-154164440-A-G. GRCh37 (hg19) VCF-style: chr1-154136916-A-G.
Other names: c.*3497T>C (NM_001364682.1, NM_001364683.1); c.775+5960T>C (NM_001364679.2, NM_001364680.2); c.776-5392T>C (NM_001364681.2); c.466+5960T>C (NM_001278188.2); c.664+5960T>C (NM_001043351.2, NM_153649.4); c.665-5392T>C (NM_001043353.2, NM_001043352.2); c.743+4865T>C (NM_001349679.2, NM_001278189.2); c.601+5960T>C (NM_001278190.2); and 1 more.
Identifiers: ClinVar variation 873971 (VCV000873971.4), dbSNP rs144544045, ClinGen allele CA30763945.